The following is an entry in ClinVar:

NM_001160372.4(TRAPPC9):c.1304C>T (p.Thr435Met)

Gene: TRAPPC9 (trafficking protein particle complex subunit 9; minus strand). Cytogenetic location: 8q24.3.
Variant type: single nucleotide variant.
Coding change: c.1304C>T on transcript NM_001160372.4 (MANE Select); coding-DNA position 1304, C replaced by T.
Protein change: p.Thr435Met; replaces threonine 435 with methionine.
Molecular consequence: missense variant. On other transcripts: non-coding transcript variant (1).
Genome position (GRCh38, 1-based): chr8:140,371,011, G>A on the plus strand (C>T on the coding strand, the complement: TRAPPC9 is on the minus strand). VCF-style: chr8-140371011-G-A. GRCh37 (hg19) VCF-style: chr8-141381110-G-A.
Other names: c.1277C>T, p.Thr426Met (NM_001321646.2); c.1325C>T, p.Thr442Met (NM_001374682.1); c.1304C>T, p.Thr435Met (NM_001374683.1, NM_001374684.1, NM_031466.8); short protein forms T426M, T435M, T442M.
Identifiers: ClinVar variation 3613235 (VCV003613235.2).

ClinVar aggregate classification (germline): Uncertain significance (1 of 4 stars; one submission).

gnomAD v4.1: 18 of 1,614,238 alleles (0.0011%); highest among the groups gnomAD compares: Middle Eastern, 0.017%; no homozygotes.

Submission:

Labcorp Genetics (formerly Invitae), Labcorp
Classification: Uncertain significance. Last evaluated: 2024-11-14. Review status: criteria provided, single submitter. Criteria: Invitae Variant Classification Sherloc (09022015). Collection method: clinical testing. Allele origin: germline.
Comment: This sequence change replaces threonine, which is neutral and polar, with methionine, which is neutral and non-polar, at codon 533 of the TRAPPC9 protein (p.Thr533Met). This variant is present in population databases (rs369179663, gnomAD 0.002%). This variant has not been reported in the literature in individuals affected with TRAPPC9-related conditions. An algorithm developed to predict the effect of missense changes on protein structure and function (PolyPhen-2) suggests that this variant is likely to be disruptive. In summary, the available evidence is currently insufficient to determine the role of this variant in disease. Therefore, it has been classified as a Variant of Uncertain Significance.